The following is an entry in ClinVar:

ClinVar aggregate classification (germline): Uncertain significance (1 of 4 stars; one submission).

Submission:

Ambry Genetics
Classification: Uncertain significance. Last evaluated: 2024-03-25. Review status: criteria provided, single submitter. Criteria: Ambry Variant Classification Scheme 2023. Collection method: clinical testing. Allele origin: germline.
Comment: The p.G1146A variant (also known as c.3437G>C), located in coding exon 4 of the ALPK2 gene, results from a G to C substitution at nucleotide position 3437. The glycine at codon 1146 is replaced by alanine, an amino acid with similar properties. This amino acid position is conserved. In addition, this alteration is predicted to be tolerated by in silico analysis. Since supporting evidence is limited at this time, the clinical significance of this alteration remains unclear.

NM_052947.4(ALPK2):c.3437G>C (p.Gly1146Ala)

Gene: ALPK2 (alpha kinase 2; minus strand). Cytogenetic location: 18q21.31.
Variant type: single nucleotide variant.
Coding change: c.3437G>C on transcript NM_052947.4 (MANE Select); coding-DNA position 3437, G replaced by C.
Protein change: p.Gly1146Ala; replaces glycine 1146 with alanine.
Molecular consequence: missense variant.
Genome position (GRCh38, 1-based): chr18:58,536,750, C>G on the plus strand (G>C on the coding strand, the complement: ALPK2 is on the minus strand). VCF-style: chr18-58536750-C-G. GRCh37 (hg19) VCF-style: chr18-56203982-C-G.
Other names: short protein forms G1146A.
Identifiers: ClinVar variation 1731422 (VCV001731422.2), dbSNP rs545748598, ClinGen allele CA402566925.